The following is an entry in ClinVar:

ClinVar aggregate classification (germline): Likely pathogenic (1 of 4 stars; one submission).

Conditions:
Karyomegalic interstitial nephritis. Identifiers: Orphanet 401996, MedGen C3553774, MONDO:0013898, OMIM 614817.

Submission:

Juno Genomics, Hangzhou Juno Genomics, Inc
Classification: Likely pathogenic for Karyomegalic interstitial nephritis. Review status: criteria provided, single submitter. Criteria: ACMG Guidelines, 2015. Collection method: clinical testing. Allele origin: germline.
Comment: Null variant in a gene where loss of function (LOF) is a known mechanism of disease.;Absent from controls (or at extremely low frequency if recessive) in Genome Aggregation Database.

NM_014967.5(FAN1):c.453_456del (p.Cys151fs)

Gene: FAN1 (FANCD2 and FANCI associated nuclease 1; plus strand). Cytogenetic location: 15q13.3.
Variant type: Microsatellite.
Coding change: c.453_456del on transcript NM_014967.5 (MANE Select); coding-DNA positions 453 to 456, 4 bases deleted (TTTG; older notation c.453_456delTTTG).
Protein change: p.Cys151fs; shifts the reading frame from cysteine 151.
Molecular consequence: frameshift variant.
Genome position (GRCh38, 1-based): chr15:30,905,116-30,905,119, TTTG deleted; deleting any 4 consecutive bases within chr15:30,905,112-30,905,119 gives the same sequence; the c. name uses the placement nearest the transcript's 3' end. VCF-style (leftmost placement, unchanged base first): chr15-30905111-ATTTG-A. GRCh37 (hg19) VCF-style: chr15-31197314-ATTTG-A.
Other names: c.453_456del, p.Cys151fs (NM_001146094.2, NM_001146095.1, NM_001146096.2); short protein forms C151fs.
Identifiers: ClinVar variation 5005383 (VCV005005383.2).
Genomic context (GRCh38, chr15:30,905,111, plus strand): 5'-AAAAGTAATGATGTGGTGTGCAAAAATCAAGATGAGCTGAGAAATCGTAGTGTGAAAGTC[ATTTG>A]TTTGGGAAGCCTAGCATCTAAATTGTCCAGAAAATACGTAAAGGCTAAAAAATCAATAGA-3'